The following is an entry in ClinVar:

NM_001018113.3(FANCB):c.2353A>G (p.Met785Val)

Gene: FANCB (FA complementation group B; minus strand). Cytogenetic location: Xp22.2.
Variant type: single nucleotide variant.
Coding change: c.2353A>G on transcript NM_001018113.3 (MANE Select); coding-DNA position 2353, A replaced by G.
Protein change: p.Met785Val; replaces methionine 785 with valine.
Molecular consequence: missense variant.
Genome position (GRCh38, 1-based): chrX:14,843,794, T>C on the plus strand (A>G on the coding strand, the complement: FANCB is on the minus strand). VCF-style: chrX-14843794-T-C. GRCh37 (hg19) VCF-style: chrX-14861916-T-C.
Other names: c.2353A>G, p.Met785Val (NM_001324162.2, NM_001410764.1, NM_152633.4); short protein forms M785V.
Identifiers: ClinVar variation 2808314 (VCV002808314.3), dbSNP rs2518946550, ClinGen allele CA412437597.

ClinVar aggregate classification (germline): Uncertain significance (1 of 4 stars; one submission).

Conditions:
Fanconi anemia (FA). Also called: Fanconi's anemia. Identifiers: Orphanet 84, MedGen C0015625, MeSH D005199, MONDO:0019391.

Submission:

Labcorp Genetics (formerly Invitae), Labcorp
Classification: Uncertain significance for Fanconi anemia. Last evaluated: 2022-10-28. Review status: criteria provided, single submitter. Criteria: Invitae Variant Classification Sherloc (09022015). Collection method: clinical testing. Allele origin: germline.
Comment: In summary, the available evidence is currently insufficient to determine the role of this variant in disease. Therefore, it has been classified as a Variant of Uncertain Significance. Advanced modeling of protein sequence and biophysical properties (such as structural, functional, and spatial information, amino acid conservation, physicochemical variation, residue mobility, and thermodynamic stability) performed at Invitae indicates that this missense variant is not expected to disrupt FANCB protein function. This variant has not been reported in the literature in individuals affected with FANCB-related conditions. This variant is not present in population databases (gnomAD no frequency). This sequence change replaces methionine, which is neutral and non-polar, with valine, which is neutral and non-polar, at codon 785 of the FANCB protein (p.Met785Val).